The following is an entry in ClinVar:

NM_000257.4(MYH7):c.3568G>A (p.Ala1190Thr)

Gene: MYH7 (myosin heavy chain 7; minus strand). Cytogenetic location: 14q11.2.
Variant type: single nucleotide variant.
Coding change: c.3568G>A on transcript NM_000257.4 (MANE Select); coding-DNA position 3568, G replaced by A.
Protein change: p.Ala1190Thr; replaces alanine 1190 with threonine.
Molecular consequence: missense variant.
Genome position (GRCh38, 1-based): chr14:23,420,003, C>T on the plus strand (G>A on the coding strand, the complement: MYH7 is on the minus strand). VCF-style: chr14-23420003-C-T. GRCh37 (hg19) VCF-style: chr14-23889212-C-T.
Other names: c.3568G>A, p.Ala1190Thr (NM_001407004.1); short protein forms A1190T.
Identifiers: ClinVar variation 2773912 (VCV002773912.4), dbSNP rs2502264318, ClinGen allele CA389043443.

ClinVar aggregate classification (germline): Uncertain significance. Review status: criteria provided, multiple submitters, no conflicts (2 of 4 stars). 2 submissions from 2 submitters: Uncertain significance (2). Last evaluated 2024-08-28.

Conditions:
Cardiomyopathy (CMYO). Also called: Cardiomyopathies. Identifiers: Orphanet 167848, MedGen C0878544, MONDO:0004994, HP:0001638. Inheritance: Various modes of inheritance.
Hypertrophic cardiomyopathy. Also called: HYPERTROPHIC MYOCARDIOPATHY. Identifiers: Orphanet 217569, MedGen C0007194, MeSH D002312, MONDO:0005045, HP:0001639.

Allele frequency attached by ClinVar (database versions not stated): gnomAD exomes below 0.00001.
gnomAD v4.1: 5 of 1,594,308 alleles (0.00031%); highest among the groups gnomAD compares: Non-Finnish European, 0.00043%; no homozygotes.

Submissions (2):

Labcorp Genetics (formerly Invitae), Labcorp
Classification: Uncertain significance for Hypertrophic cardiomyopathy. Last evaluated: 2024-08-28. Review status: criteria provided, single submitter. Criteria: Invitae Variant Classification Sherloc (09022015). Collection method: clinical testing. Allele origin: germline.
Comment: This sequence change replaces alanine, which is neutral and non-polar, with threonine, which is neutral and polar, at codon 1190 of the MYH7 protein (p.Ala1190Thr). This variant is not present in population databases (gnomAD no frequency). This missense change has been observed in individual(s) with clinical features of autosomal dominant MYH7-related conditions (internal data). Invitae Evidence Modeling of protein sequence and biophysical properties (such as structural, functional, and spatial information, amino acid conservation, physicochemical variation, residue mobility, and thermodynamic stability) indicates that this missense variant is expected to disrupt MYH7 protein function with a positive predictive value of 95%. In summary, the available evidence is currently insufficient to determine the role of this variant in disease. Therefore, it has been classified as a Variant of Uncertain Significance.

Color Diagnostics, LLC DBA Color Health
Classification: Uncertain significance for Cardiomyopathy. Last evaluated: 2024-04-08. Review status: criteria provided, single submitter. Criteria: ACMG Guidelines, 2015. Collection method: clinical testing. Allele origin: germline.
Comment: This missense variant replaces alanine with threonine at codon 1190 of the MYH7 protein. Computational prediction suggests that this variant may not impact protein structure and function. To our knowledge, functional studies have not been reported for this variant. This variant has not been reported in individuals affected with cardiovascular disorders in the literature. This variant has not been identified in the general population by the Genome Aggregation Database (gnomAD). The available evidence is insufficient to determine the role of this variant in disease conclusively. Therefore, this variant is classified as a Variant of Uncertain Significance.